The following is an entry in ClinVar:

ClinVar aggregate classification (germline): Likely benign. Review status: criteria provided, multiple submitters, no conflicts (2 of 4 stars). 2 submissions from 2 submitters: Likely benign (2). Last evaluated 2022-10-01.

Conditions:
Developmental and epileptic encephalopathy, 27 (DEE27). Also called: GRIN2B-Related Neurodevelopmental Disorder; Epileptic encephalopathy, early infantile, 27. Identifiers: Orphanet 3451, MedGen C4015316, MONDO:0014505, OMIM 616139.
Intellectual developmental disorder, autosomal dominant 6, with or without seizures. Also called: Intellectual disability, autosomal dominant 6; GRIN2B-related developmental delay, intellectual disability and autism spectrum disorder. Identifiers: Orphanet 589547, MedGen C3151411, MONDO:0013509, OMIM 613970.

gnomAD v4.1: 14 of 1,607,228 alleles (0.00087%); highest among the groups gnomAD compares: Admixed American, 0.0017%; no homozygotes.

Submissions (2):

CeGaT Center for Human Genetics Tuebingen
Classification: Likely benign. Last evaluated: 2022-10-01. Review status: criteria provided, single submitter. Criteria: CeGaT Center For Human Genetics Tuebingen Variant Classification Criteria Version 2. Collection method: clinical testing. Allele origin: germline. Affected: yes. Observed: 1 variant allele.
Comment: GRIN2B: BP4, BS2

Labcorp Genetics (formerly Invitae), Labcorp
Classification: Likely benign for Developmental and epileptic encephalopathy, 27; Intellectual developmental disorder, autosomal dominant 6, with or without seizures. Last evaluated: 2022-03-01. Review status: criteria provided, single submitter. Criteria: Invitae Variant Classification Sherloc (09022015). Collection method: clinical testing. Allele origin: germline.

NM_000834.5(GRIN2B):c.2172-6G>T

Gene: GRIN2B (glutamate ionotropic receptor NMDA type subunit 2B; minus strand). Cytogenetic location: 12p13.1.
Variant type: single nucleotide variant.
Coding change: c.2172-6G>T on transcript NM_000834.5 (MANE Select); 6 bases into the intron before coding-DNA position 2172, G replaced by T.
Molecular consequence: intron variant.
Genome position (GRCh38, 1-based): chr12:13,570,023, C>A on the plus strand (G>T on the coding strand, the complement: GRIN2B is on the minus strand). VCF-style: chr12-13570023-C-A. GRCh37 (hg19) VCF-style: chr12-13722957-C-A.
Identifiers: ClinVar variation 1931890 (VCV001931890.29), dbSNP rs201390691, ClinGen allele CA6461097.
Genomic context (GRCh38, chr12:13,570,023, plus strand): 5'-TCTGCCTGCCATATAGTTCAGCACTGCTGCATCATAGATGAAGGCATCCAGTTTCCTGTA[C>A]AGGAAAAAAGCAAACAAATCCAATGGAGGAATTTTAGAACAAAACTACCTGTGGGGCCAT-3'